The following is an entry in ClinVar:

NM_022051.3(EGLN1):c.616G>A (p.Gly206Ser)

Gene: EGLN1 (egl-9 family hypoxia inducible factor 1; minus strand). Cytogenetic location: 1q42.2.
Variant type: single nucleotide variant.
Coding change: c.616G>A on transcript NM_022051.3 (MANE Select); coding-DNA position 616, G replaced by A.
Protein change: p.Gly206Ser; replaces glycine 206 with serine.
Molecular consequence: missense variant.
Genome position (GRCh38, 1-based): chr1:231,421,273, C>T on the plus strand (G>A on the coding strand, the complement: EGLN1 is on the minus strand). VCF-style: chr1-231421273-C-T. GRCh37 (hg19) VCF-style: chr1-231557019-C-T.
Other names: c.616G>A, p.Gly206Ser (NM_001377260.1, NM_001377261.1); short protein forms G206S.
Identifiers: ClinVar variation 3274801 (VCV003274801.1).

ClinVar aggregate classification (germline): Uncertain significance (1 of 4 stars; one submission).

Submission:

Ambry Genetics
Classification: Uncertain significance. Last evaluated: 2024-06-15. Review status: criteria provided, single submitter. Criteria: Ambry Variant Classification Scheme 2023. Collection method: clinical testing. Allele origin: germline.
Comment: The p.G206S variant (also known as c.616G>A), located in coding exon 1 of the EGLN1 gene, results from a G to A substitution at nucleotide position 616. The glycine at codon 206 is replaced by serine, an amino acid with similar properties. This amino acid position is conserved. In addition, this alteration is predicted to be tolerated by in silico analysis. Based on the available evidence, the clinical significance of this variant remains unclear.